The following is an entry in ClinVar:

NM_000379.4(XDH):c.3829G>C (p.Asp1277His)

Gene: XDH (xanthine dehydrogenase; minus strand). Cytogenetic location: 2p23.1.
Variant type: single nucleotide variant.
Coding change: c.3829G>C on transcript NM_000379.4 (MANE Select); coding-DNA position 3829, G replaced by C.
Protein change: p.Asp1277His; replaces aspartic acid 1277 with histidine.
Molecular consequence: missense variant.
Genome position (GRCh38, 1-based): chr2:31,337,763, C>G on the plus strand (G>C on the coding strand, the complement: XDH is on the minus strand). VCF-style: chr2-31337763-C-G. GRCh37 (hg19) VCF-style: chr2-31560629-C-G.
Other names: p.Asp1277His; short protein forms D1277H.
Identifiers: ClinVar variation 2147410 (VCV002147410.2), dbSNP rs1572505922, ClinGen allele CA346493296.
Genomic context (GRCh38, chr2:31,337,763, plus strand): 5'-GCCGGAAGAGTTCCTTCACGTTATTACCTGTGTGCTGAGCTCGAGCTGCACGGATGGCAT[C>G]TTTGATGGCAAAGAAGATAGAAGCAGCCAGGAAGAGGGGCGGCTCTCCAACAGCCTGAAC-3'
Protein context (NP_000370.2, residues 1267-1287): LAASIFFAIK[Asp1277His]AIRAARAQHT

ClinVar aggregate classification (germline): Uncertain significance. Review status: criteria provided, multiple submitters, no conflicts (2 of 4 stars). 2 submissions from 2 submitters: Uncertain significance (2). Last evaluated 2022-12-15.

Conditions:
Xanthinuria type II. Also called: Xanthine dehydrogenase and aldehyde oxidase combined deficiency of; XDH and AOX dual deficiency. Identifiers: Orphanet 3467, Orphanet 93602, MedGen C1863688, MONDO:0011346, OMIM 603592.

Allele frequency attached by ClinVar (database versions not stated): TOPMed 0.00001.

Submissions (2):

Mayo Clinic Laboratories, Mayo Clinic
Classification: Uncertain significance. Last evaluated: 2022-12-15. Review status: criteria provided, single submitter. Criteria: ACMG Guidelines, 2015. Collection method: clinical testing. Allele origin: germline. Observed: 1 variant allele.
Comment: PM2_supporting

Labcorp Genetics (formerly Invitae), Labcorp
Classification: Uncertain significance for Xanthinuria type II. Last evaluated: 2022-06-14. Review status: criteria provided, single submitter. Criteria: Invitae Variant Classification Sherloc (09022015). Collection method: clinical testing. Allele origin: germline.
Comment: This sequence change replaces aspartic acid, which is acidic and polar, with histidine, which is basic and polar, at codon 1277 of the XDH protein (p.Asp1277His). This variant is not present in population databases (gnomAD no frequency). This variant has not been reported in the literature in individuals affected with XDH-related conditions. Algorithms developed to predict the effect of missense changes on protein structure and function are either unavailable or do not agree on the potential impact of this missense change (SIFT: "Deleterious"; PolyPhen-2: "Probably Damaging"; Align-GVGD: "Class C0"). In summary, the available evidence is currently insufficient to determine the role of this variant in disease. Therefore, it has been classified as a Variant of Uncertain Significance.